The following is an entry in ClinVar:

NM_000254.3(MTR):c.3405+18C>T

Gene: MTR (5-methyltetrahydrofolate-homocysteine methyltransferase; plus strand). Cytogenetic location: 1q43.
Variant type: single nucleotide variant.
Coding change: c.3405+18C>T on transcript NM_000254.3 (MANE Select); 18 bases into the intron after coding-DNA position 3405, C replaced by T.
Molecular consequence: intron variant.
Genome position (GRCh38, 1-based): chr1:236,894,575, C>T. VCF-style: chr1-236894575-C-T. GRCh37 (hg19) VCF-style: chr1-237057875-C-T.
Other names: c.3252+18C>T (NM_001291939.1); c.2184+18C>T (NM_001291940.2).
Identifiers: ClinVar variation 388144 (VCV000388144.5), dbSNP rs374485228, ClinGen allele CA1474679.

ClinVar aggregate classification (germline): Likely benign. Review status: criteria provided, multiple submitters, no conflicts (2 of 4 stars). 2 submissions from 2 submitters: Likely benign (2). Last evaluated 2025-09-19.

Conditions:
Methylcobalamin deficiency type cblG (HMAG). Also called: HOMOCYSTINURIA-MEGALOBLASTIC ANEMIA, cblG COMPLEMENTATION TYPE; HOMOCYSTINURIA-MEGALOBLASTIC ANEMIA, cblG TYPE; HOMOCYSTINURIA-MEGALOBLASTIC ANEMIA DUE TO DEFECT IN COBALAMIN METABOLISM, cblG COMPLEMENTATION TYPE; Functional methionine synthase deficiency type cblG. Identifiers: Orphanet 2170, Orphanet 622, MedGen C1855128, MONDO:0009609, OMIM 250940.

Allele frequency attached by ClinVar (database versions not stated): gnomAD exomes 0.00003 and 0.00006; ExAC 0.00006; ESP Exome Variant Server 0.00015; gnomAD 0.00015 and 0.00016; TOPMed 0.00018.
gnomAD v4.1: 59 of 1,612,796 alleles (0.0037%); highest among the groups gnomAD compares: African/African-American, 0.028%; no homozygotes.

Submissions (2):

Labcorp Genetics (formerly Invitae), Labcorp
Classification: Likely benign for Methylcobalamin deficiency type cblG. Last evaluated: 2025-09-19. Review status: criteria provided, single submitter. Criteria: Invitae Variant Classification Sherloc (09022015). Collection method: clinical testing. Allele origin: germline.

GeneDx
Classification: Likely benign. Last evaluated: 2016-08-04. Review status: criteria provided, single submitter. Criteria: GeneDx Variant Classification (06012015). Collection method: clinical testing. Allele origin: germline. Affected: yes.
Comment: This variant is considered likely benign or benign based on one or more of the following criteria: it is a conservative change, it occurs at a poorly conserved position in the protein, it is predicted to be benign by multiple in silico algorithms, and/or has population frequency not consistent with disease.